The following is an entry in ClinVar:

NM_001103.4(ACTN2):c.1538C>T (p.Thr513Ile)

Gene: ACTN2 (actinin alpha 2; plus strand). Cytogenetic location: 1q43.
Variant type: single nucleotide variant.
Coding change: c.1538C>T on transcript NM_001103.4 (MANE Select); coding-DNA position 1538, C replaced by T.
Protein change: p.Thr513Ile; replaces threonine 513 with isoleucine.
Molecular consequence: missense variant. On other transcripts: non-coding transcript variant (1).
Genome position (GRCh38, 1-based): chr1:236,749,146, C>T. VCF-style: chr1-236749146-C-T. GRCh37 (hg19) VCF-style: chr1-236912446-C-T.
Other names: c.1538C>T, p.Thr513Ile (NM_001278343.2); c.914C>T, p.Thr305Ile (NM_001278344.2); c.788C>T, p.Thr263Ile (NM_001412150.1); short protein forms T263I, T305I, T513I.
Identifiers: ClinVar variation 2562767 (VCV002562767.2), dbSNP rs749178520, ClinGen allele CA345384678.
Genomic context (GRCh38, chr1:236,749,146, plus strand): 5'-TTAGTCTATGATAATGCTTGCTTCTCTTTATTCTTTAGAGAATGGAGAAATTGCTAGAAA[C>T]CATTGATCAGCTTCACCTGGAGTTTGCCAAGAGGGCTGCTCCTTTCAACAATTGGATGGA-3'
Protein context (NP_001094.1, residues 503-523): ALERMEKLLE[Thr513Ile]IDQLHLEFAK

ClinVar aggregate classification (germline): Uncertain significance (1 of 4 stars; one submission).

Conditions:
Cardiovascular phenotype. Identifiers: MedGen CN230736.

Submission:

Ambry Genetics
Classification: Uncertain significance for Cardiovascular phenotype. Last evaluated: 2023-05-25. Review status: criteria provided, single submitter. Criteria: Ambry Variant Classification Scheme 2023. Collection method: clinical testing. Allele origin: germline.
Comment: The p.T513I variant (also known as c.1538C>T), located in coding exon 14 of the ACTN2 gene, results from a C to T substitution at nucleotide position 1538. The threonine at codon 513 is replaced by isoleucine, an amino acid with similar properties. This amino acid position is conserved. In addition, this alteration is predicted to be deleterious by in silico analysis. Since supporting evidence is limited at this time, the clinical significance of this alteration remains unclear.